The following is an entry in ClinVar:

NM_001352514.2(HLCS):c.1006T>C (p.Cys336Arg)

Gene: HLCS (holocarboxylase synthetase; minus strand). Cytogenetic location: 21q22.13.
Variant type: single nucleotide variant.
Coding change: c.1006T>C on transcript NM_001352514.2 (MANE Select); coding-DNA position 1006, T replaced by C.
Protein change: p.Cys336Arg; replaces cysteine 336 with arginine.
Molecular consequence: missense variant. On other transcripts: non-coding transcript variant (2).
Genome position (GRCh38, 1-based): chr21:36,936,880, A>G on the plus strand (T>C on the coding strand, the complement: HLCS is on the minus strand). VCF-style: chr21-36936880-A-G. GRCh37 (hg19) VCF-style: chr21-38309180-A-G.
Other names: c.565T>C, p.Cys189Arg (NM_000411.8, NM_001242784.3, NM_001242785.2 and 4 more transcripts); short protein forms C189R, C336R.
Identifiers: ClinVar variation 4847266 (VCV004847266.1).

ClinVar aggregate classification (germline): Uncertain significance (1 of 4 stars; one submission).

Submission:

Women's Health and Genetics/Laboratory Corporation of America, LabCorp
Classification: Uncertain significance. Last evaluated: 2026-03-13. Review status: criteria provided, single submitter. Criteria: LabCorp Variant Classification Summary - May 2015. Collection method: clinical testing. Allele origin: germline.
Comment: Variant summary: HLCS c.565T>C (p.Cys189Arg) results in a non-conservative amino acid change in the encoded protein sequence. Algorithms developed to predict the effect of missense changes on protein structure and function all suggest that this variant is likely to be disruptive. The variant was absent in 251144 control chromosomes. The available data on variant occurrences in the general population are insufficient to allow any conclusion about variant significance. c.565T>C has been observed in the mother and the daughter from a family affected with Holocarboxylase Synthetase Deficiency, but the second variants in HLCS were different (Quinonez_2017). These report(s) do not provide unequivocal conclusions about association of the variant with Holocarboxylase Synthetase Deficiency. To our knowledge, no experimental evidence demonstrating an impact on protein function has been reported. The following publication has been ascertained in the context of this evaluation (PMID: 27518780). No submitters have cited clinical-significance assessments for this variant to ClinVar. Based on the evidence outlined above, the variant was classified as uncertain significance.

Literature cited by the submitters: PubMed 27518780.